The following is an entry in ClinVar:

ClinVar aggregate classification (germline): Uncertain significance (1 of 4 stars; one submission).

Allele frequency attached by ClinVar (database versions not stated): gnomAD exomes below 0.00001; TOPMed below 0.00001.

Submission:

Labcorp Genetics (formerly Invitae), Labcorp
Classification: Uncertain significance. Last evaluated: 2022-07-11. Review status: criteria provided, single submitter. Criteria: Invitae Variant Classification Sherloc (09022015). Collection method: clinical testing. Allele origin: germline.
Comment: Algorithms developed to predict the effect of missense changes on protein structure and function (SIFT, PolyPhen-2, Align-GVGD) all suggest that this variant is likely to be disruptive. ClinVar contains an entry for this variant (Variation ID: 957113). This variant has not been reported in the literature in individuals affected with CNGA1-related conditions. This variant is not present in population databases (gnomAD no frequency). This sequence change replaces arginine, which is basic and polar, with serine, which is neutral and polar, at codon 433 of the CNGA1 protein (p.Arg433Ser). In summary, the available evidence is currently insufficient to determine the role of this variant in disease. Therefore, it has been classified as a Variant of Uncertain Significance.

NM_001379270.1(CNGA1):c.1287G>C (p.Arg429Ser)

Genes: CNGA1 (cyclic nucleotide gated channel subunit alpha 1; minus strand), LOC101927157 (uncharacterized LOC101927157; plus strand). Cytogenetic location: 4p12.
Variant type: single nucleotide variant.
Coding change: c.1287G>C on transcript NM_001379270.1 (MANE Select); coding-DNA position 1287, G replaced by C.
Protein change: p.Arg429Ser; replaces arginine 429 with serine.
Molecular consequence: missense variant.
Genome position (GRCh38, 1-based): chr4:47,937,195, C>G on the plus strand (G>C on the coding strand, the complement: CNGA1 is on the minus strand). VCF-style: chr4-47937195-C-G. GRCh37 (hg19) VCF-style: chr4-47939212-C-G.
Other names: c.1287G>C, p.Arg429Ser (NM_000087.5, NM_001142564.2); short protein forms R429S.
Identifiers: ClinVar variation 957113 (VCV000957113.9), dbSNP rs1292231725, ClinGen allele CA356826161.